The following is an entry in ClinVar:

NM_001261826.3(AP3D1):c.2032A>G (p.Asn678Asp)

Gene: AP3D1 (adaptor related protein complex 3 subunit delta 1; minus strand). Cytogenetic location: 19p13.3.
Variant type: single nucleotide variant.
Coding change: c.2032A>G on transcript NM_001261826.3 (MANE Select); coding-DNA position 2032, A replaced by G.
Protein change: p.Asn678Asp; replaces asparagine 678 with aspartic acid.
Molecular consequence: missense variant.
Genome position (GRCh38, 1-based): chr19:2,116,248, T>C on the plus strand (A>G on the coding strand, the complement: AP3D1 is on the minus strand). VCF-style: chr19-2116248-T-C. GRCh37 (hg19) VCF-style: chr19-2116247-T-C.
Other names: c.2032A>G, p.Asn678Asp (NM_001374799.1, NM_003938.8); short protein forms N678D.
Identifiers: ClinVar variation 4704862 (VCV004704862.1).

ClinVar aggregate classification (germline): Uncertain significance (1 of 4 stars; one submission).

gnomAD v4.1: 1 of 1,614,032 alleles (0.000062%); highest among the groups gnomAD compares: African/African-American, 0.0013%; no homozygotes.

Submission:

Labcorp Genetics (formerly Invitae), Labcorp
Classification: Uncertain significance. Last evaluated: 2025-07-01. Review status: criteria provided, single submitter. Criteria: Invitae Variant Classification Sherloc (09022015). Collection method: clinical testing. Allele origin: germline.
Comment: This sequence change replaces asparagine, which is neutral and polar, with aspartic acid, which is acidic and polar, at codon 678 of the AP3D1 protein (p.Asn678Asp). This variant is present in population databases (no rsID available, gnomAD 0.01%). This variant has not been reported in the literature in individuals affected with AP3D1-related conditions. An algorithm developed to predict the effect of missense changes on protein structure and function (PolyPhen-2) suggests that this variant is likely to be disruptive. In summary, the available evidence is currently insufficient to determine the role of this variant in disease. Therefore, it has been classified as a Variant of Uncertain Significance.